The following is an entry in ClinVar:

NM_001830.4(CLCN4):c.883T>C (p.Phe295Leu)

Gene: CLCN4 (chloride voltage-gated channel 4; plus strand). Cytogenetic location: Xp22.2.
Variant type: single nucleotide variant.
Coding change: c.883T>C on transcript NM_001830.4 (MANE Select); coding-DNA position 883, T replaced by C.
Protein change: p.Phe295Leu; replaces phenylalanine 295 with leucine.
Molecular consequence: missense variant.
Genome position (GRCh38, 1-based): chrX:10,208,084, T>C. VCF-style: chrX-10208084-T-C. GRCh37 (hg19) VCF-style: chrX-10176124-T-C.
Other names: c.883T>C (NM_001830.3); c.601T>C, p.Phe201Leu (NM_001256944.2); short protein forms F295L, F201L.
Identifiers: ClinVar variation 3653717 (VCV003653717.3).

ClinVar aggregate classification (germline): Uncertain significance. Review status: criteria provided, multiple submitters, no conflicts (2 of 4 stars). 2 submissions from 2 submitters: Uncertain significance (2). Last evaluated 2025-06-06.

Submissions (2):

GeneDx
Classification: Uncertain significance. Last evaluated: 2025-06-06. Review status: criteria provided, single submitter. Criteria: GeneDx Variant Classification Process June 2021. Collection method: clinical testing. Allele origin: germline. Affected: yes.
Comment: Not observed at significant frequency in large population cohorts (gnomAD); In silico analysis supports that this missense variant has a deleterious effect on protein structure/function; Has not been previously published as pathogenic or benign to our knowledge

Labcorp Genetics (formerly Invitae), Labcorp
Classification: Uncertain significance. Last evaluated: 2025-02-23. Review status: criteria provided, single submitter. Criteria: Invitae Variant Classification Sherloc (09022015). Collection method: clinical testing. Allele origin: germline.
Comment: This sequence change replaces phenylalanine, which is neutral and non-polar, with leucine, which is neutral and non-polar, at codon 295 of the CLCN4 protein (p.Phe295Leu). This variant is not present in population databases (gnomAD no frequency). This variant has not been reported in the literature in individuals affected with CLCN4-related conditions. Invitae Evidence Modeling of protein sequence and biophysical properties (such as structural, functional, and spatial information, amino acid conservation, physicochemical variation, residue mobility, and thermodynamic stability) indicates that this missense variant is expected to disrupt CLCN4 protein function with a positive predictive value of 80%. In summary, the available evidence is currently insufficient to determine the role of this variant in disease. Therefore, it has been classified as a Variant of Uncertain Significance.